The following is an entry in ClinVar:

ClinVar aggregate classification (germline): Conflicting classifications of pathogenicity. Review status: criteria provided, conflicting classifications (1 of 4 stars). 2 submissions from 2 submitters: Uncertain significance (1); Likely benign (1). Last evaluated 2025-09-17.

Submissions (2):

Labcorp Genetics (formerly Invitae), Labcorp
Classification: Uncertain significance. Last evaluated: 2025-09-17. Review status: criteria provided, single submitter. Criteria: Invitae Variant Classification Sherloc (09022015). Collection method: clinical testing. Allele origin: germline.
Comment: This sequence change falls in intron 3 of the USP7 gene. It does not directly change the encoded amino acid sequence of the USP7 protein. This variant is not present in population databases (gnomAD no frequency). This variant has not been reported in the literature in individuals affected with USP7-related conditions. Experimental studies and prediction algorithms are not available or were not evaluated, and the effect of this variant on mRNA splicing is currently unknown. In summary, the available evidence is currently insufficient to determine the role of this variant in disease. Therefore, it has been classified as a Variant of Uncertain Significance.

Blueprint Genetics
Classification: Likely benign. Last evaluated: 2024-08-26. Review status: criteria provided, single submitter. Criteria: ACMG Guidelines, 2015. Collection method: clinical testing. Allele origin: germline.

NM_003470.3(USP7):c.383+10_383+11insTTTAAATGATGCAACTACAAACCCCCACATCGTTC

Gene: USP7 (ubiquitin specific peptidase 7; minus strand). Cytogenetic location: 16p13.2.
Variant type: Insertion.
Coding change: c.383+10_383+11insTTTAAATGATGCAACTACAAACCCCCACATCGTTC on transcript NM_003470.3 (MANE Select); bases 10 to 11 of the intron after coding-DNA position 383, TTTAAATGATGCAACTACAAACCCCCACATCGTTC inserted.
Molecular consequence: intron variant.
Genome position: GRCh38: chr16:8,923,205-8,923,206. GRCh37 (hg19): chr16:9,017,062-9,017,063.
Other names: c.209+10_209+11insTTTAAATGATGCAACTACAAACCCCCACATCGTTC (NM_001321858.2); c.335+10_335+11insTTTAAATGATGCAACTACAAACCCCCACATCGTTC (NM_001286457.2); c.86+10_86+11insTTTAAATGATGCAACTACAAACCCCCACATCGTTC (NM_001286458.2).
Identifiers: ClinVar variation 4779911 (VCV004779911.2).